The following is an entry in ClinVar:

NM_001267550.2(TTN):c.12612_12625del (p.Thr4204_Leu4205insTer)

Gene: TTN (titin; minus strand). Cytogenetic location: 2q31.2.
Variant type: Deletion.
Coding change: c.12612_12625del on transcript NM_001267550.2 (MANE Select); coding-DNA positions 12612 to 12625, 14 bases deleted (TTTATTAGCTGAAC).
Protein change: p.Thr4204_Leu4205insTer.
Molecular consequence: frameshift variant. On other transcripts: intron variant (1).
Genome position (GRCh38, 1-based): chr2:178,740,608-178,740,621, GTTCAGCTAATAAA deleted on the plus strand (TTTATTAGCTGAAC on the coding strand, the reverse complement: TTN is on the minus strand); deleting any 14 consecutive bases within chr2:178,740,608-178,740,624 gives the same sequence; the c. name uses the placement nearest the transcript's 3' end. VCF-style (leftmost placement, unchanged base first): chr2-178740607-GGTTCAGCTAATAAA-G. GRCh37 (hg19) VCF-style: chr2-179605334-GGTTCAGCTAATAAA-G.
Other names: c.11661_11674del, p.Thr3887_Leu3888insTer (NM_001256850.1); c.11523_11536del, p.Thr3841_Leu3842insTer (NM_003319.4); c.11898_11911del, p.Thr3966_Leu3967insTer (NM_133432.3); c.12099_12112del, p.Thr4033_Leu4034insTer (NM_133437.4); c.10361-2261_10361-2248del (NM_133378.4); c.12612_12625delTTTATTAGCTGAAC (NM_001267550.2).
Identifiers: ClinVar variation 651149 (VCV000651149.9), dbSNP rs1574081963, ClinGen allele CA915942259.
Genomic context (GRCh38, chr2:178,740,607, plus strand): 5'-ACAGAGGTTAGATAAGAATGCATTGGAGGTTCTATTGAAGACTGTGGATAATTCCCTTCA[GGTTCAGCTAATAAA>G]GTTTTCAGAGGCTCAACTGTTAATGAATTAATTTGTTCTATGGACATGGCACTTGGGAAG-3'

ClinVar aggregate classification (germline): Likely pathogenic (1 of 4 stars; one submission).

Conditions:
Autosomal recessive limb-girdle muscular dystrophy type 2J (LGMDR10). Also called: Limb-girdle muscular dystrophy, type 2J; MUSCULAR DYSTROPHY, LIMB-GIRDLE, AUTOSOMAL RECESSIVE 10. Identifiers: Orphanet 140922, MedGen C1837342, MONDO:0012127, OMIM 608807.
Dilated cardiomyopathy 1G (CMD1G). Identifiers: Orphanet 154, MedGen C1858763, MONDO:0011400, OMIM 604145.

Submission:

Labcorp Genetics (formerly Invitae), Labcorp
Classification: Likely pathogenic for Dilated cardiomyopathy 1G; Autosomal recessive limb-girdle muscular dystrophy type 2J. Last evaluated: 2024-10-18. Review status: criteria provided, single submitter. Criteria: Invitae Variant Classification Sherloc (09022015). Collection method: clinical testing. Allele origin: germline.
Comment: This sequence change creates a premature translational stop signal (p.Leu4205*) in the TTN gene. While this is not anticipated to result in nonsense mediated decay, it is expected to create a truncated TTN protein. This variant is not present in population databases (gnomAD no frequency). This variant has not been reported in the literature in individuals affected with TTN-related conditions. ClinVar contains an entry for this variant (Variation ID: 651149). This variant is located in the I band of TTN (PMID: 25589632). Truncating variants in this region have been reported in individuals affected with autosomal recessive centronuclear myopathy (PMID: 23975875, internal data). Truncating variants in this region have also been identified in individuals affected with autosomal dominant dilated cardiomyopathy and/or cardio-related conditions (PMID: 27869827, 32964742, internal data). In summary, the currently available evidence indicates that the variant is pathogenic, but additional data are needed to prove that conclusively. Therefore, this variant has been classified as Likely Pathogenic.

Literature cited by the submitters: PubMed 25589632; PubMed 23975875; PubMed 27869827; PubMed 32964742.